The following is an entry in ClinVar:

NM_016011.5(MECR):c.331C>T (p.Gln111Ter)

Gene: MECR (mitochondrial trans-2-enoyl-CoA reductase; minus strand). Cytogenetic location: 1p35.3.
Variant type: single nucleotide variant.
Coding change: c.331C>T on transcript NM_016011.5 (MANE Select); coding-DNA position 331, C replaced by T.
Protein change: p.Gln111Ter; replaces glutamine 111 with a stop codon.
Molecular consequence: nonsense. On other transcripts: non-coding transcript variant (4).
Genome position (GRCh38, 1-based): chr1:29,216,080, G>A on the plus strand (C>T on the coding strand, the complement: MECR is on the minus strand). VCF-style: chr1-29216080-G-A. GRCh37 (hg19) VCF-style: chr1-29542592-G-A.
Other names: c.415C>T, p.Gln139Ter (NM_001349716.2); c.181C>T, p.Gln61Ter (NM_001349717.2); c.103C>T, p.Gln35Ter (NM_001024732.4, NM_001349711.2, NM_001349712.2 and 2 more transcripts); c.436C>T, p.Gln146Ter (NM_001349715.2); short protein forms Q139*, Q146*, Q111*, Q35*, Q61*.
Identifiers: ClinVar variation 2725088 (VCV002725088.3), dbSNP rs2522669795, ClinGen allele CA339548216.

ClinVar aggregate classification (germline): Pathogenic (1 of 4 stars; one submission).

Submission:

Labcorp Genetics (formerly Invitae), Labcorp
Classification: Pathogenic. Last evaluated: 2024-01-16. Review status: criteria provided, single submitter. Criteria: Invitae Variant Classification Sherloc (09022015). Collection method: clinical testing. Allele origin: germline.
Comment: This sequence change creates a premature translational stop signal (p.Gln111*) in the MECR gene. It is expected to result in an absent or disrupted protein product. Loss-of-function variants in MECR are known to be pathogenic (PMID: 27817865). This variant is not present in population databases (gnomAD no frequency). This variant has not been reported in the literature in individuals affected with MECR-related conditions. For these reasons, this variant has been classified as Pathogenic.

Literature cited by the submitters: PubMed 27817865.